The following is an entry in ClinVar:

ClinVar aggregate classification (germline): Uncertain significance (1 of 4 stars; one submission).

Allele frequency attached by ClinVar (database versions not stated): gnomAD exomes below 0.00001.
gnomAD v4.1: 1 of 1,614,012 alleles (0.000062%); highest among the groups gnomAD compares: Non-Finnish European, 0.000085%; no homozygotes.

Submission:

Labcorp Genetics (formerly Invitae), Labcorp
Classification: Uncertain significance. Last evaluated: 2023-01-13. Review status: criteria provided, single submitter. Criteria: Invitae Variant Classification Sherloc (09022015). Collection method: clinical testing. Allele origin: germline.
Comment: Advanced modeling of protein sequence and biophysical properties (such as structural, functional, and spatial information, amino acid conservation, physicochemical variation, residue mobility, and thermodynamic stability) performed at Invitae indicates that this missense variant is not expected to disrupt POLE protein function. In summary, the available evidence is currently insufficient to determine the role of this variant in disease. Therefore, it has been classified as a Variant of Uncertain Significance. This variant has not been reported in the literature in individuals affected with POLE-related conditions. This variant is not present in population databases (gnomAD no frequency). This sequence change replaces threonine, which is neutral and polar, with alanine, which is neutral and non-polar, at codon 2065 of the POLE protein (p.Thr2065Ala).

NM_006231.4(POLE):c.6193A>G (p.Thr2065Ala)

Gene: POLE (DNA polymerase epsilon, catalytic subunit; minus strand). Cytogenetic location: 12q24.33.
Variant type: single nucleotide variant.
Coding change: c.6193A>G on transcript NM_006231.4 (MANE Select); coding-DNA position 6193, A replaced by G.
Protein change: p.Thr2065Ala; replaces threonine 2065 with alanine.
Molecular consequence: missense variant.
Genome position (GRCh38, 1-based): chr12:132,632,452, T>C on the plus strand (A>G on the coding strand, the complement: POLE is on the minus strand). VCF-style: chr12-132632452-T-C. GRCh37 (hg19) VCF-style: chr12-133209038-T-C.
Other names: short protein forms T2065A.
Identifiers: ClinVar variation 2828309 (VCV002828309.3), dbSNP rs2541854444, ClinGen allele CA387369788.